The following is an entry in ClinVar:

ClinVar aggregate classification (germline): Uncertain significance (1 of 4 stars; one submission).

Conditions:
Early-infantile DEE. Also called: Early infantile epileptic encephalopathy; Ohtahara syndrome; Early infantile epileptic encephalopathy with suppression bursts. Identifiers: Orphanet 1934, MedGen C0393706, MONDO:0800491.

Submission:

Labcorp Genetics (formerly Invitae), Labcorp
Classification: Uncertain significance for Early-infantile DEE. Last evaluated: 2022-06-10. Review status: criteria provided, single submitter. Criteria: Invitae Variant Classification Sherloc (09022015). Collection method: clinical testing. Allele origin: germline.
Comment: In summary, the available evidence is currently insufficient to determine the role of this variant in disease. Therefore, it has been classified as a Variant of Uncertain Significance. Variants that disrupt the consensus splice site are a relatively common cause of aberrant splicing (PMID: 17576681, 9536098). Algorithms developed to predict the effect of sequence changes on RNA splicing suggest that this variant is not likely to affect RNA splicing. This variant has not been reported in the literature in individuals affected with SCN1A-related conditions. This variant is not present in population databases (gnomAD no frequency). This sequence change falls in intron 2 of the SCN1A gene. It does not directly change the encoded amino acid sequence of the SCN1A protein. It affects a nucleotide within the consensus splice site.

Literature cited by the submitters: PubMed 17576681; PubMed 9536098.

NM_001165963.4(SCN1A):c.384-3T>G

Gene: SCN1A (sodium voltage-gated channel alpha subunit 1; minus strand). Cytogenetic location: 2q24.3.
Variant type: single nucleotide variant.
Coding change: c.384-3T>G on transcript NM_001165963.4 (MANE Select); 3 bases into the intron before coding-DNA position 384, T replaced by G.
Molecular consequence: intron variant.
Genome position (GRCh38, 1-based): chr2:166,056,503, A>C on the plus strand (T>G on the coding strand, the complement: SCN1A is on the minus strand). VCF-style: chr2-166056503-A-C. GRCh37 (hg19) VCF-style: chr2-166913013-A-C.
Other names: c.384-3T>G (NM_001353949.2, NM_001353958.2, NM_001353950.2 and 10 more transcripts); c.-2042-3T>G (NM_001353961.2).
Identifiers: ClinVar variation 2117459 (VCV002117459.4), dbSNP rs368381487, ClinGen allele CA2580064335.